The following is an entry in ClinVar:

NM_003801.4(GPAA1):c.1598C>T (p.Ala533Val)

Gene: GPAA1 (glycosylphosphatidylinositol anchor attachment 1; plus strand). Cytogenetic location: 8q24.3.
Variant type: single nucleotide variant.
Coding change: c.1598C>T on transcript NM_003801.4 (MANE Select); coding-DNA position 1598, C replaced by T.
Protein change: p.Ala533Val; replaces alanine 533 with valine.
Molecular consequence: missense variant.
Genome position (GRCh38, 1-based): chr8:144,085,719, C>T. VCF-style: chr8-144085719-C-T. GRCh37 (hg19) VCF-style: chr8-145140622-C-T.
Other names: c.1598C>T (NM_003801.3); short protein forms A533V.
Identifiers: ClinVar variation 1480071 (VCV001480071.11), dbSNP rs200059746, ClinGen allele CA4933203.

ClinVar aggregate classification (germline): Uncertain significance. Review status: criteria provided, multiple submitters, no conflicts (2 of 4 stars). 5 submissions from 5 submitters: Uncertain significance (5). Last evaluated 2025-12-25.

Conditions:
Glycosylphosphatidylinositol biosynthesis defect 15. Also called: DEVELOPMENTAL DELAY, EPILEPSY, CEREBELLAR ATROPHY, AND OSTEOPENIA. Identifiers: Orphanet 529665, MedGen C4540520, MONDO:0060627, OMIM 617810.
Inborn genetic diseases. Identifiers: MedGen C0950123, MeSH D030342.

Allele frequency attached by ClinVar (database versions not stated): ESP Exome Variant Server 0.00008; gnomAD 0.00009; TOPMed 0.00009; gnomAD exomes 0.00021; ExAC 0.00027; 1000 Genomes Project 30x 0.00047; 1000 Genomes Project 0.00060.
gnomAD v4.1: 225 of 1,613,030 alleles (0.014%); highest among the groups gnomAD compares: Middle Eastern, 0.18%; 1 homozygote.

Submissions (5):

Labcorp Genetics (formerly Invitae), Labcorp
Classification: Uncertain significance. Last evaluated: 2025-12-25. Review status: criteria provided, single submitter. Criteria: Invitae Variant Classification Sherloc (09022015). Collection method: clinical testing. Allele origin: germline.
Comment: This sequence change replaces alanine, which is neutral and non-polar, with valine, which is neutral and non-polar, at codon 533 of the GPAA1 protein (p.Ala533Val). This variant is present in population databases (rs200059746, gnomAD 0.09%). This variant has not been reported in the literature in individuals affected with GPAA1-related conditions. ClinVar contains an entry for this variant (Variation ID: 1480071). Invitae Evidence Modeling of protein sequence and biophysical properties (such as structural, functional, and spatial information, amino acid conservation, physicochemical variation, residue mobility, and thermodynamic stability) indicates that this missense variant is not expected to disrupt GPAA1 protein function with a negative predictive value of 80%. In summary, the available evidence is currently insufficient to determine the role of this variant in disease. Therefore, it has been classified as a Variant of Uncertain Significance.

Ambry Genetics
Classification: Uncertain significance for Inborn genetic diseases. Last evaluated: 2025-02-19. Review status: criteria provided, single submitter. Criteria: Ambry Variant Classification Scheme 2023. Collection method: clinical testing. Allele origin: germline.

Blueprint Genetics
Classification: Uncertain significance. Last evaluated: 2024-11-27. Review status: criteria provided, single submitter. Criteria: ACMG Guidelines, 2015. Collection method: clinical testing. Allele origin: germline.

Revvity Omics, Revvity
Classification: Uncertain significance for Glycosylphosphatidylinositol biosynthesis defect 15. Last evaluated: 2022-03-24. Review status: criteria provided, single submitter. Criteria: ACMG Guidelines, 2015. Collection method: clinical testing. Allele origin: germline.

Breakthrough Genomics
Classification: Uncertain significance. Review status: criteria provided, single submitter. Criteria: ACMG Guidelines, 2015. Collection method: not provided. Allele origin: germline. Inheritance: Autosomal recessive inheritance. Affected: yes.